The following is an entry in ClinVar:

ClinVar aggregate classification (germline): Uncertain significance (1 of 4 stars; one submission).

Allele frequency attached by ClinVar (database versions not stated): TOPMed 0.00002.

Submission:

Labcorp Genetics (formerly Invitae), Labcorp
Classification: Uncertain significance. Last evaluated: 2021-12-01. Review status: criteria provided, single submitter. Criteria: Invitae Variant Classification Sherloc (09022015). Collection method: clinical testing. Allele origin: germline.
Comment: This sequence change replaces proline, which is neutral and non-polar, with leucine, which is neutral and non-polar, at codon 57 of the TRIM37 protein (p.Pro57Leu). This variant is not present in population databases (gnomAD no frequency). This variant has not been reported in the literature in individuals affected with TRIM37-related conditions. Algorithms developed to predict the effect of missense changes on protein structure and function are either unavailable or do not agree on the potential impact of this missense change (SIFT: "Not Available"; PolyPhen-2: "Benign"; Align-GVGD: "Not Available"). In summary, the available evidence is currently insufficient to determine the role of this variant in disease. Therefore, it has been classified as a Variant of Uncertain Significance.

NM_015294.6(TRIM37):c.170C>T (p.Pro57Leu)

Gene: TRIM37 (tripartite motif containing 37; minus strand). Cytogenetic location: 17q22.
Variant type: single nucleotide variant.
Coding change: c.170C>T on transcript NM_015294.6 (MANE Select); coding-DNA position 170, C replaced by T.
Protein change: p.Pro57Leu; replaces proline 57 with leucine.
Molecular consequence: missense variant. On other transcripts: 5 prime UTR variant (3), non-coding transcript variant (2).
Genome position (GRCh38, 1-based): chr17:59,088,402, G>A on the plus strand (C>T on the coding strand, the complement: TRIM37 is on the minus strand). VCF-style: chr17-59088402-G-A. GRCh37 (hg19) VCF-style: chr17-57165763-G-A.
Other names: c.170C>T, p.Pro57Leu (NM_001005207.5, NM_001320988.3, NM_001320989.3 and 2 more transcripts); c.68C>T, p.Pro23Leu (NM_001320987.3, NM_001353082.2); c.-197C>T (NM_001320990.3); c.-583C>T (NM_001353083.2); c.-205C>T (NM_001353085.2); short protein forms P57L, P23L.
Identifiers: ClinVar variation 2022887 (VCV002022887.4), dbSNP rs1244155434, ClinGen allele CA400395393.